The following is an entry in ClinVar:

NM_138694.4(PKHD1):c.6121+7G>A

Gene: PKHD1 (PKHD1 ciliary IPT domain containing fibrocystin/polyductin; minus strand). Cytogenetic location: 6p12.2.
Variant type: single nucleotide variant.
Coding change: c.6121+7G>A on transcript NM_138694.4 (MANE Select); 7 bases into the intron after coding-DNA position 6121, G replaced by A.
Molecular consequence: intron variant.
Genome position (GRCh38, 1-based): chr6:51,934,103, C>T on the plus strand (G>A on the coding strand, the complement: PKHD1 is on the minus strand). VCF-style: chr6-51934103-C-T. GRCh37 (hg19) VCF-style: chr6-51798901-C-T.
Other names: c.6121+7G>A (NM_170724.3).
Identifiers: ClinVar variation 4997535 (VCV004997535.1).
Genomic context (GRCh38, chr6:51,934,103, plus strand): 5'-AGTTTTATCAGTTTCCACTGCTAGACACAGCTCTACTTCATTTCCTCTGATCAATTGCCT[C>T]ACTCACCGTGCAGAGAAAGAGTTCCATTCCTCACAGCCAGGAACTTGACTCCATAGGGAA-3'

ClinVar aggregate classification (germline): Likely benign (1 of 4 stars; one submission).

Conditions:
PKHD1-related disorder. Also called: PKHD1-related condition.

Submission:

PreventionGenetics, part of Exact Sciences
Classification: Likely benign for PKHD1-related condition. Last evaluated: 2025-03-08. Review status: criteria provided, single submitter. Criteria: ACMG Guidelines, 2015. Collection method: clinical testing. Allele origin: germline.
Comment: This variant is classified as likely benign based on ACMG/AMP sequence variant interpretation guidelines (Richards et al. 2015 PMID: 25741868, with internal and published modifications).